The following is an entry in ClinVar:

ClinVar aggregate classification (germline): Uncertain significance. Review status: criteria provided, multiple submitters, no conflicts (2 of 4 stars). 3 submissions from 3 submitters: Uncertain significance (3). Last evaluated 2025-08-23.

Conditions:
Inborn genetic diseases. Identifiers: MedGen C0950123, MeSH D030342.

gnomAD v4.1: 8 of 1,614,216 alleles (0.0005%); highest among the groups gnomAD compares: African/African-American, 0.0013%; no homozygotes.

Submissions (3):

Ambry Genetics
Classification: Uncertain significance for Inborn genetic diseases. Last evaluated: 2025-08-23. Review status: criteria provided, single submitter. Criteria: Ambry Variant Classification Scheme 2023. Collection method: clinical testing. Allele origin: germline.

Women's Health and Genetics/Laboratory Corporation of America, LabCorp
Classification: Uncertain significance. Last evaluated: 2022-06-03. Review status: criteria provided, single submitter. Criteria: LabCorp Variant Classification Summary - May 2015. Collection method: clinical testing. Allele origin: germline.
Comment: Variant summary: KMT2C c.11248G>T (p.Ala3750Ser) results in a conservative amino acid change in the encoded protein sequence. Five of five in-silico tools predict a benign effect of the variant on protein function. The variant was absent in 251434 control chromosomes. The available data on variant occurrences in the general population are insufficient to allow any conclusion about variant significance. To our knowledge, no occurrence of c.11248G>T in individuals affected with Kleefstra Syndrome 2 and no experimental evidence demonstrating its impact on protein function have been reported. No clinical diagnostic laboratories have submitted clinical-significance assessments for this variant to ClinVar after 2014. Based on the evidence outlined above, the variant was classified as uncertain significance.

Labcorp Genetics (formerly Invitae), Labcorp
Classification: Uncertain significance. Last evaluated: 2022-04-26. Review status: criteria provided, single submitter. Criteria: Invitae Variant Classification Sherloc (09022015). Collection method: clinical testing. Allele origin: germline.
Comment: In summary, the available evidence is currently insufficient to determine the role of this variant in disease. Therefore, it has been classified as a Variant of Uncertain Significance. Algorithms developed to predict the effect of missense changes on protein structure and function output the following: SIFT: "Tolerated"; PolyPhen-2: "Benign"; Align-GVGD: "Class C0". The serine amino acid residue is found in multiple mammalian species, which suggests that this missense change does not adversely affect protein function. This variant has not been reported in the literature in individuals affected with KMT2C-related conditions. This variant is not present in population databases (gnomAD no frequency). This sequence change replaces alanine, which is neutral and non-polar, with serine, which is neutral and polar, at codon 3750 of the KMT2C protein (p.Ala3750Ser).

NM_170606.3(KMT2C):c.11248G>T (p.Ala3750Ser)

Gene: KMT2C (lysine methyltransferase 2C; minus strand). Cytogenetic location: 7q36.1.
Variant type: single nucleotide variant.
Coding change: c.11248G>T on transcript NM_170606.3 (MANE Select); coding-DNA position 11248, G replaced by T.
Protein change: p.Ala3750Ser; replaces alanine 3750 with serine.
Molecular consequence: missense variant.
Genome position (GRCh38, 1-based): chr7:152,162,329, C>A on the plus strand (G>T on the coding strand, the complement: KMT2C is on the minus strand). VCF-style: chr7-152162329-C-A. GRCh37 (hg19) VCF-style: chr7-151859414-C-A.
Other names: short protein forms A3750S.
Identifiers: ClinVar variation 1698477 (VCV001698477.7), dbSNP rs747954521, ClinGen allele CA169230966.